The following is an entry in ClinVar:

NM_007294.4(BRCA1):c.2218G>C (p.Val740Leu)

Gene: BRCA1 (BRCA1 DNA repair associated; minus strand). Cytogenetic location: 17q21.31.
Variant type: single nucleotide variant.
Coding change: c.2218G>C on transcript NM_007294.4 (MANE Select); coding-DNA position 2218, G replaced by C.
Protein change: p.Val740Leu; replaces valine 740 with leucine.
Molecular consequence: missense variant. On other transcripts: intron variant (137).
Genome position (GRCh38, 1-based): chr17:43,093,313, C>G on the plus strand (G>C on the coding strand, the complement: BRCA1 is on the minus strand). VCF-style: chr17-43093313-C-G. GRCh37 (hg19) VCF-style: chr17-41245330-C-G.
Other names: c.784+1431G>C (NM_001407986.1, NM_001407972.1, NM_001408397.1 and 13 more transcripts); c.664+1431G>C (NM_001408441.1, NM_001408437.1, NM_001408429.1 and 12 more transcripts); c.787+1431G>C (NM_001407979.1, NM_001407977.1, NM_001407982.1 and 17 more transcripts); c.646+1431G>C (NM_001408410.1, NM_001408458.1, NM_001408469.1 and 11 more transcripts); c.709+1431G>C (NM_001408415.1, NM_001408412.1, NM_001408409.1 and 2 more transcripts); c.577+1431G>C (NM_001408483.1, NM_001408481.1, NM_001408480.1 and 9 more transcripts); c.2005G>C, p.Val669Leu (NM_001407571.1, NM_001407853.1, NM_001407894.1 and 9 more transcripts); c.2218G>C, p.Val740Leu (NM_001407581.1, NM_001407582.1, NM_001407583.1 and 30 more transcripts); and 41 more; short protein forms V740L, V693L, V613L, V629L, V672L, V692L, V572L, V612L.
Identifiers: ClinVar variation 54505 (VCV000054505.33), dbSNP rs80357415, ClinGen allele CA001488.

ClinVar aggregate classification (germline): Conflicting classifications of pathogenicity. Review status: criteria provided, conflicting classifications (1 of 4 stars). 9 submissions from 9 submitters: Uncertain significance (7); Likely benign (1). 1 of the submissions does not count toward it. Last evaluated 2025-06-23.

Conditions:
Hereditary cancer-predisposing syndrome. Also called: Tumor predisposition; Neoplastic Syndromes, Hereditary; Hereditary Cancer Syndrome; Hereditary neoplastic syndrome. Identifiers: Orphanet 140162, MedGen C0027672, MeSH D009386, MONDO:0015356.
Hereditary breast ovarian cancer syndrome. Also called: Hereditary breast and ovarian cancer syndrome (HBOC); Hereditary breast and ovarian cancer syndrome; Hereditary breast and ovarian cancer; Hereditary breast and/or ovarian cancer syndrome; Breast and ovarian cancer; BRCA1- and BRCA2-Associated Hereditary Breast and Ovarian Cancer. Identifiers: Orphanet 145, MedGen C0677776, MeSH D061325, MONDO:0003582. Disease mechanism: loss of function.
Breast-ovarian cancer, familial, susceptibility to, 1 (BROVCA1). Also called: OVARIAN CANCER, SUSCEPTIBILITY TO; BRCA1 Hereditary Breast and Ovarian Cancer. Identifiers: Orphanet 145, MedGen C2676676, MONDO:0011450, OMIM 604370. Disease mechanism: loss of function.

gnomAD v4.1: 2 of 1,613,802 alleles (0.00012%); highest among the groups gnomAD compares: Non-Finnish European, 0.00017%; no homozygotes.

Submissions (9):

Color Diagnostics, LLC DBA Color Health
Classification: Uncertain significance for Hereditary cancer-predisposing syndrome. Last evaluated: 2025-06-23. Review status: criteria provided, single submitter. Criteria: ACMG Guidelines, 2015. Collection method: clinical testing. Allele origin: germline.
Comment: This missense variant replaces valine with leucine at codon 740 of the BRCA1 protein. Computational prediction suggests that this variant may not impact protein structure and function. To our knowledge, functional studies have not been reported for this variant. This variant has been reported in at least one individual affected with breast cancer (PMID: 17221156, 34178674). This variant has not been identified in the general population by the Genome Aggregation Database (gnomAD). The available evidence is insufficient to determine the role of this variant in disease conclusively. Therefore, this variant is classified as a Variant of Uncertain Significance.

Ambry Genetics
Classification: Uncertain significance for Hereditary cancer-predisposing syndrome. Last evaluated: 2025-05-13. Review status: criteria provided, single submitter. Criteria: Ambry Variant Classification Scheme 2023. Collection method: clinical testing. Allele origin: germline.
Comment: The p.V740L variant (also known as c.2218G>C), located in coding exon 9 of the BRCA1 gene, results from a G to C substitution at nucleotide position 2218. The valine at codon 740 is replaced by leucine, an amino acid with highly similar properties. This alteration has been reported in two individuals diagnosed with breast and/or ovarian cancer undergoing genetic testing based on suspicion for HBOC (Russo A et al. Breast Cancer Res Treat, 2007 Nov;105:267-76; Fanale D et al. Front Oncol, 2021 Jun;11:682445). This amino acid position is not well conserved in available vertebrate species. In addition, this alteration is predicted to be tolerated by in silico analysis. Based on the available evidence, the clinical significance of this variant remains unclear.

Labcorp Genetics (formerly Invitae), Labcorp
Classification: Uncertain significance for Hereditary breast ovarian cancer syndrome. Last evaluated: 2025-05-05. Review status: criteria provided, single submitter. Criteria: Invitae Variant Classification Sherloc (09022015). Collection method: clinical testing. Allele origin: germline.
Comment: This sequence change replaces valine, which is neutral and non-polar, with leucine, which is neutral and non-polar, at codon 740 of the BRCA1 protein (p.Val740Leu). This variant is not present in population databases (gnomAD no frequency). This missense change has been observed in individual(s) with breast cancer (PMID: 17221156, 34178674). ClinVar contains an entry for this variant (Variation ID: 54505). Invitae Evidence Modeling of protein sequence and biophysical properties (such as structural, functional, and spatial information, amino acid conservation, physicochemical variation, residue mobility, and thermodynamic stability) indicates that this missense variant is not expected to disrupt BRCA1 protein function with a negative predictive value of 80%. In summary, the available evidence is currently insufficient to determine the role of this variant in disease. Therefore, it has been classified as a Variant of Uncertain Significance.

ARUP Laboratories, Molecular Genetics and Genomics, ARUP Laboratories
Classification: Uncertain significance. Last evaluated: 2023-09-08. Review status: criteria provided, single submitter. Criteria: ARUP Molecular Germline Variant Investigation Process 2024. Collection method: clinical testing. Allele origin: germline.
Comment: The BRCA1 c.2218G>C; p.Val740Leu variant (rs80357415) is reported in the literature in at least two individuals affected with breast cancer (Russo 2007, Fanale 2021). This variant is absent from the Genome Aggregation Database, indicating it is not a common polymorphism. Computational analyses are uncertain whether this variant is neutral or deleterious (REVEL: 0.338). Due to limited information, the clinical significance of the p.Val740Leu variant is uncertain at this time. References: Fanale D et al. Prevalence and Spectrum of Germline BRCA1 and BRCA2 Variants of Uncertain Significance in Breast/Ovarian Cancer: Mysterious Signals From the Genome. Front Oncol. 2021 Jun 11;11:682445. PMID: 34178674 Russo A et al. BRCA1 genetic testing in 106 breast and ovarian cancer families from Southern Italy (Sicily): a mutation analyses. Breast Cancer Res Treat. 2007 Nov;105(3):267-76. PMID: 17221156

All of Us Research Program, National Institutes of Health
Classification: Uncertain significance for Breast-ovarian cancer, familial, susceptibility to, 1. Last evaluated: 2023-06-26. Review status: criteria provided, single submitter. Criteria: ACMG Guidelines, 2015. Collection method: clinical testing. Allele origin: germline. Inheritance: Autosomal dominant inheritance. Observed: 1 variant allele, 1 heterozygote.
Comment: This missense variant replaces valine with leucine at codon 740 of the BRCA1 protein. Computational prediction suggests that this variant may not impact protein structure and function (internally defined REVEL score threshold <= 0.5, PMID: 27666373). To our knowledge, functional studies have not been reported for this variant. This variant has been reported in at least one individual affected with breast cancer (PMID: 17221156, 34178674). This variant has not been identified in the general population by the Genome Aggregation Database (gnomAD). The available evidence is insufficient to determine the role of this variant in disease conclusively. Therefore, this variant is classified as a Variant of Uncertain Significance.

This study involves interpretation of variants in research participants for the purpose of population health screening. Participant phenotype was not available at the time of variant classification. Additional details can be found in publication PMID: 35346344, PMCID: PMC8962531

GeneDx
Classification: Uncertain significance. Last evaluated: 2023-06-07. Review status: criteria provided, single submitter. Criteria: GeneDx Variant Classification Process June 2021. Collection method: clinical testing. Allele origin: germline. Affected: yes.
Comment: Observed in individuals with breast cancer (Russo et al., 2007; Fanale et al., 2021); Not observed at significant frequency in large population cohorts (gnomAD); In silico analysis supports that this missense variant does not alter protein structure/function; Also known as 2337G>C; This variant is associated with the following publications: (PMID: 25011685, 34178674, 15343273, 31853058, 29884841, 17221156)

University of Washington Department of Laboratory Medicine, University of Washington
Classification: Likely benign for Hereditary cancer-predisposing syndrome. Last evaluated: 2023-03-23. Review status: criteria provided, single submitter. Criteria: Dines et al. (Genet Med. 2020). Collection method: curation. Allele origin: germline.
Comment: Missense variant in a coldspot region where missense variants are very unlikely to be pathogenic (PMID:31911673).

BRCA1 coldspot (exon 11 using historical exon numbering). Reclassification based on statistical prior probability

Quest Diagnostics Nichols Institute San Juan Capistrano
Classification: Uncertain significance. Last evaluated: 2022-10-04. Review status: criteria provided, single submitter. Criteria: Quest Diagnostics criteria. Collection method: clinical testing. Allele origin: unknown.
Comment: It has not been reported in large, multi-ethnic general populations. In the published literature, the variant has been reported in individuals with breast cancer (PMIDs: 34178674 (2021), 17221156 (2007)). Analysis of this variant using bioinformatics tools for the prediction of the effect of amino acid changes on protein structure and function yielded predictions that this variant is benign. Based on the available information, we are unable to determine the clinical significance of this variant.

Breast Cancer Information Core (BIC) (BRCA1)
Classification: Uncertain significance for Breast-ovarian cancer, familial 1. Last evaluated: 2002-05-29. Review status: no assertion criteria provided. Collection method: clinical testing. Allele origin: germline. Affected: yes. Observed: 1 variant allele. Not counted in ClinVar's aggregate classification.

Literature cited by the submitters: PubMed 17221156 (cited by 5 submitters); PubMed 34178674 (cited by 5 submitters).